The following is an entry in ClinVar:

ClinVar aggregate classification (germline): Likely pathogenic (1 of 4 stars; one submission).

Conditions:
Congenital hypothyroidism. Identifiers: Orphanet 442, MedGen C0010308, MONDO:0018612, HP:0000851.

Submission:

Laboratory for Molecular Medicine, Mass General Brigham Personalized Medicine
Classification: Likely pathogenic for Congenital hypothyroidism. Last evaluated: 2020-06-25. Review status: criteria provided, single submitter. Criteria: LMM Criteria. Collection method: clinical testing. Allele origin: germline. Inheritance: Autosomal recessive inheritance. Observed: 1 variant allele.
Comment: The c.3416-1G>A variant in DUOX2 has not been previously reported in individuals with congenital hypothyroidism and was absent from large population studies. This variant occurs within the canonical splice site (+/- 1,2) and is predicted to cause altered splicing leading to an abnormal or absent protein. Loss of function of the DUOX2 gene is an established disease mechanism in autosomal recessive congenital hypothyroidism. In summary, although additional studies are required to fully establish its clinical significance, this variant meets criteria to be classified as likely pathogenic for autosomal recessive congenital hypothyroidism. ACMG/AMP Criteria applied: PVS1_Strong, PM2.

NM_001363711.2(DUOX2):c.3416-1G>A

Gene: DUOX2 (dual oxidase 2; minus strand). Cytogenetic location: 15q21.1.
Variant type: single nucleotide variant.
Coding change: c.3416-1G>A on transcript NM_001363711.2 (MANE Select); the canonical splice acceptor site of the intron before coding-DNA position 3416, G replaced by A.
Molecular consequence: splice acceptor variant.
Genome position (GRCh38, 1-based): chr15:45,099,483, C>T on the plus strand (G>A on the coding strand, the complement: DUOX2 is on the minus strand). VCF-style: chr15-45099483-C-T. GRCh37 (hg19) VCF-style: chr15-45391681-C-T.
Other names: c.3416-1G>A (NM_014080.5).
Identifiers: ClinVar variation 1120118 (VCV001120118.4), dbSNP rs2141143881, ClinGen allele CA392259576.